The following is an entry in ClinVar:

ClinVar aggregate classification (germline): Conflicting classifications of pathogenicity. Review status: criteria provided, conflicting classifications (1 of 4 stars). 2 submissions from 2 submitters: Uncertain significance (1); Likely benign (1). Last evaluated 2022-12-01.

Conditions:
CBL-related disorder. Also called: NOONAN SYNDROME-LIKE DISORDER WITHOUT JUVENILE MYELOMONOCYTIC LEUKEMIA; CBL MUTATION-ASSOCIATED SYNDROME; CBL SYNDROME. Identifiers: Orphanet 363972, MedGen C3150803, MONDO:0013308, OMIM 613563.

Allele frequency attached by ClinVar (database versions not stated): gnomAD 0.00090 and 0.00091; TOPMed 0.00102; gnomAD exomes 0.00103.
gnomAD v4.1: 390 of 397,716 alleles (0.098%); highest among the groups gnomAD compares: Non-Finnish European, 0.14%; no homozygotes.

Submissions (2):

CeGaT Center for Human Genetics Tuebingen
Classification: Likely benign. Last evaluated: 2022-12-01. Review status: criteria provided, single submitter. Criteria: CeGaT Center For Human Genetics Tuebingen Variant Classification Criteria Version 2. Collection method: clinical testing. Allele origin: germline. Affected: yes. Observed: 1 variant allele.
Comment: CBL: BS1

Illumina Laboratory Services, Illumina
Classification: Uncertain significance for CBL-related disorder. Last evaluated: 2018-01-12. Review status: criteria provided, single submitter. Criteria: ICSL Variant Classification Criteria 13 December 2019. Collection method: clinical testing. Allele origin: germline.

NM_005188.4(CBL):c.*6703T>C

Gene: CBL (Cbl proto-oncogene; plus strand). Cytogenetic location: 11q23.3.
Variant type: single nucleotide variant.
Coding change: c.*6703T>C on transcript NM_005188.4 (MANE Select); 6703 bases downstream of the stop codon, T replaced by C.
Molecular consequence: 3 prime UTR variant.
Genome position (GRCh38, 1-based): chr11:119,306,484, T>C. VCF-style: chr11-119306484-T-C. GRCh37 (hg19) VCF-style: chr11-119177194-T-C.
Identifiers: ClinVar variation 302889 (VCV000302889.29), dbSNP rs562568416, ClinGen allele CA10633735.